The following is an entry in ClinVar:

NM_001146079.2(CLDN14):c.621C>T (p.Thr207=)

Genes: CLDN14 (claudin 14; minus strand), CLDN14-AS1 (CLDN14 antisense RNA 1; plus strand). Cytogenetic location: 21q22.13.
Variant type: single nucleotide variant.
Coding change: c.621C>T on transcript NM_001146079.2 (MANE Select); coding-DNA position 621, C replaced by T.
Protein change: p.Thr207=; no amino-acid change (threonine 207 retained).
Molecular consequence: synonymous variant.
Genome position (GRCh38, 1-based): chr21:36,461,075, G>A on the plus strand (C>T on the coding strand, the complement: CLDN14 is on the minus strand). VCF-style: chr21-36461075-G-A. GRCh37 (hg19) VCF-style: chr21-37833373-G-A.
Other names: c.621C>T, p.Thr207= (NM_001146077.2, NM_001146078.3, NM_012130.4 and 1 more transcripts).
Identifiers: ClinVar variation 44085 (VCV000044085.22), dbSNP rs139437157, ClinGen allele CA133526.

ClinVar aggregate classification (germline): Conflicting classifications of pathogenicity. Review status: criteria provided, conflicting classifications (1 of 4 stars). 6 submissions from 6 submitters: Uncertain significance (1); Benign (3); Likely benign (1). 1 of the submissions does not count toward it. Last evaluated 2026-01-27.

Conditions:
CLDN14-related disorder. Also called: CLDN14-related condition.
Autosomal recessive nonsyndromic hearing loss 29. Identifiers: Orphanet 90636, MedGen C3279660, MONDO:0013537, OMIM 614035.

Allele frequency attached by ClinVar (database versions not stated): gnomAD exomes 0.00038 and 0.00101; ExAC 0.00120; 1000 Genomes Project 0.00339; 1000 Genomes Project 30x 0.00344; gnomAD 0.00407 and 0.00444; ESP Exome Variant Server 0.00431; TOPMed 0.00451.

Submissions (6):

Labcorp Genetics (formerly Invitae), Labcorp
Classification: Benign. Last evaluated: 2026-01-27. Review status: criteria provided, single submitter. Criteria: Invitae Variant Classification Sherloc (09022015). Collection method: clinical testing. Allele origin: germline.

Blueprint Genetics
Classification: Likely benign. Last evaluated: 2024-11-12. Review status: criteria provided, single submitter. Criteria: ACMG Guidelines, 2015. Collection method: clinical testing. Allele origin: germline.

GeneDx
Classification: Benign. Last evaluated: 2018-12-28. Review status: criteria provided, single submitter. Criteria: GeneDx Variant Classification Process June 2021. Collection method: clinical testing. Allele origin: germline. Affected: yes.
Comment: This variant is associated with the following publications: (PMID: 23590985)

Illumina Laboratory Services, Illumina
Classification: Uncertain significance for Autosomal recessive nonsyndromic hearing loss 29. Last evaluated: 2017-04-28. Review status: criteria provided, single submitter. Criteria: ICSL Variant Classification Criteria 13 December 2019. Collection method: clinical testing. Allele origin: germline.
Comment: This variant was observed as part of a predisposition screen in an ostensibly healthy population. A literature search was performed for the gene, cDNA change, and amino acid change (where applicable). Publications were found based on this search. However, the evidence from the literature, in combination with allele frequency data from public databases where available, was not sufficient to rule this variant in or out of causing disease. Therefore, this variant is classified as a variant of unknown significance.

Laboratory for Molecular Medicine, Mass General Brigham Personalized Medicine
Classification: Benign. Last evaluated: 2012-04-30. Review status: criteria provided, single submitter. Criteria: LMM Criteria. Collection method: clinical testing. Allele origin: germline. Observed: 6 variant alleles.
Comment: Thr207Thr in Exon 03 of CLDN14: This variant is not expected to have clinical si gnificance because it does not alter an amino acid residue, is not located withi n the splice consensus sequence, and has been identified in 1.2% (43/3738) of Af rican American chromosomes from a broad population by the NHLBI Exome Sequencing Project (dbSNP rs139437157).

PreventionGenetics, part of Exact Sciences
Classification: Benign for CLDN14-related condition. Last evaluated: 2019-07-15. Review status: no assertion criteria provided. Collection method: clinical testing. Allele origin: germline. Not counted in ClinVar's aggregate classification.
Comment: This variant is classified as benign based on ACMG/AMP sequence variant interpretation guidelines (Richards et al. 2015 PMID: 25741868, with internal and published modifications).

Literature cited by the submitters: PubMed 23590985 (cited by Illumina Laboratory Services, Illumina).